The following is an entry in ClinVar:

ClinVar aggregate classification (germline): Uncertain significance. Review status: criteria provided, multiple submitters, no conflicts (2 of 4 stars). 6 submissions from 6 submitters: Uncertain significance (6). Last evaluated 2025-05-22.

Conditions:
Cardiovascular phenotype. Identifiers: MedGen CN230736.
Arrhythmogenic cardiomyopathy with wooly hair and keratoderma. Also called: Carvajal syndrome; Dilated cardiomyopathy with woolly hair and keratoderma; Arrhythmogenic cardiomyopathy with woolly hair and keratoderma; PALMOPLANTAR KERATODERMA WITH LEFT VENTRICULAR CARDIOMYOPATHY AND WOOLLY HAIR. Identifiers: Orphanet 65282, MedGen C1854063, MONDO:0011581, OMIM 605676.
Arrhythmogenic right ventricular dysplasia 8 (ARVD8). Also called: Arrhythmogenic Right Ventricular Dysplasia/Cardiomyopathy 8; ARRHYTHMOGENIC RIGHT VENTRICULAR DYSPLASIA, FAMILIAL, 8; ARRHYTHMOGENIC RIGHT VENTRICULAR CARDIOMYOPATHY 8. Identifiers: MedGen C1843896, MONDO:0011831, OMIM 607450.
Cardiomyopathy (CMYO). Also called: Cardiomyopathies. Identifiers: Orphanet 167848, MedGen C0878544, MONDO:0004994, HP:0001638. Inheritance: Various modes of inheritance.

Allele frequency attached by ClinVar (database versions not stated): TOPMed below 0.00001; gnomAD 0.00001.
gnomAD v4.1: 2 of 1,613,724 alleles (0.00012%); no homozygotes.

Submissions (6):

Labcorp Genetics (formerly Invitae), Labcorp
Classification: Uncertain significance for Arrhythmogenic cardiomyopathy with wooly hair and keratoderma; Arrhythmogenic right ventricular dysplasia 8. Last evaluated: 2025-05-22. Review status: criteria provided, single submitter. Criteria: Invitae Variant Classification Sherloc (09022015). Collection method: clinical testing. Allele origin: germline.
Comment: This sequence change replaces serine, which is neutral and polar, with proline, which is neutral and non-polar, at codon 1438 of the DSP protein (p.Ser1438Pro). This variant is not present in population databases (gnomAD no frequency). This variant has not been reported in the literature in individuals affected with DSP-related conditions. ClinVar contains an entry for this variant (Variation ID: 626742). An algorithm developed to predict the effect of missense changes on protein structure and function (PolyPhen-2) suggests that this variant is likely to be tolerated. In summary, the available evidence is currently insufficient to determine the role of this variant in disease. Therefore, it has been classified as a Variant of Uncertain Significance.

Color Diagnostics, LLC DBA Color Health
Classification: Uncertain significance for Cardiomyopathy. Last evaluated: 2024-04-23. Review status: criteria provided, single submitter. Criteria: ACMG Guidelines, 2015. Collection method: clinical testing. Allele origin: germline.
Comment: This missense variant replaces serine with proline at codon 1438 of the DSP protein. Computational prediction suggests that this variant may not impact protein structure and function (internally defined REVEL score threshold <= 0.5, PMID: 27666373). To our knowledge, functional studies have not been reported for this variant. This variant has not been reported in individuals affected with cardiovascular disorders in the literature. This variant has not been identified in the general population by the Genome Aggregation Database (gnomAD). The available evidence is insufficient to determine the role of this variant in disease conclusively. Therefore, this variant is classified as a Variant of Uncertain Significance.

Blueprint Genetics
Classification: Uncertain significance. Last evaluated: 2022-08-24. Review status: criteria provided, single submitter. Criteria: ACMG Guidelines, 2015. Collection method: clinical testing. Allele origin: germline.

Ambry Genetics
Classification: Uncertain significance for Cardiovascular phenotype. Last evaluated: 2022-05-02. Review status: criteria provided, single submitter. Criteria: Ambry Variant Classification Scheme 2023. Collection method: clinical testing. Allele origin: germline.
Comment: The p.S1438P variant (also known as c.4312T>C), located in coding exon 23 of the DSP gene, results from a T to C substitution at nucleotide position 4312. The serine at codon 1438 is replaced by proline, an amino acid with similar properties. This amino acid position is not well conserved in available vertebrate species. In addition, the in silico prediction for this alteration is inconclusive. Since supporting evidence is limited at this time, the clinical significance of this alteration remains unclear.

GeneDx
Classification: Uncertain significance. Last evaluated: 2019-11-17. Review status: criteria provided, single submitter. Criteria: GeneDx Variant Classification Process June 2021. Collection method: clinical testing. Allele origin: germline. Affected: yes.
Comment: Not observed in large population cohorts (Lek et al., 2016); In silico analysis, which includes protein predictors and evolutionary conservation, supports that this variant does not alter protein structure/function; Has not been previously published as pathogenic or benign to our knowledge

CHEO Genetics Diagnostic Laboratory, Children's Hospital of Eastern Ontario
Classification: Uncertain significance for Cardiomyopathy. Last evaluated: 2016-10-26. Review status: criteria provided, single submitter. Criteria: ACMG Guidelines, 2015. Collection method: clinical testing. Allele origin: germline. Study: Canadian Open Genetics Repository.

NM_004415.4(DSP):c.4312T>C (p.Ser1438Pro)

Gene: DSP (desmoplakin; plus strand). Cytogenetic location: 6p24.3.
Variant type: single nucleotide variant.
Coding change: c.4312T>C on transcript NM_004415.4 (MANE Select); coding-DNA position 4312, T replaced by C.
Protein change: p.Ser1438Pro; replaces serine 1438 with proline.
Molecular consequence: missense variant. On other transcripts: intron variant (2).
Genome position (GRCh38, 1-based): chr6:7,580,502, T>C. VCF-style: chr6-7580502-T-C. GRCh37 (hg19) VCF-style: chr6-7580735-T-C.
Other names: c.4050+262T>C (NM_001319034.2); c.3582+730T>C (NM_001008844.3); c.4312T>C (LRG_423t1); short protein forms S1438P.
Identifiers: ClinVar variation 626742 (VCV000626742.20), dbSNP rs1561698695, ClinGen allele CA362686026.